The following is an entry in ClinVar:

ClinVar aggregate classification (germline): Likely pathogenic (3 of 4 stars; one submission).

Conditions:
Deficiency of guanidinoacetate methyltransferase (CCDS2). Also called: Guanidinoacetate Methyltransferase (GAMT) Deficiency; CEREBRAL CREATINE DEFICIENCY SYNDROME 2; GAMT DEFICIENCY. Identifiers: Orphanet 382, MedGen C0574080, MONDO:0012999, OMIM 612736.

Submission:

ClinGen Cerebral Creatine Deficiency Syndromes Variant Curation Expert Panel, ClinGen
Classification: Likely pathogenic for Deficiency of guanidinoacetate methyltransferase. Last evaluated: 2025-10-15. Review status: reviewed by expert panel. Criteria: ClinGen CCDS ACMG Specifications GAMT V2.0.0. Collection method: curation. Allele origin: germline. Inheritance: Autosomal recessive inheritance.
Comment: The NM_000156.6:c.202G>T variant in GAMT is predicted to result in the missense substitution of glycine by cysteine at amino acid 68 (p.Gly68Cys). The variant has been reported in homozygosity in a proband and sibling with clinical symptoms consistent with GAMT deficiency (PM3_Supporting). Urine guanidinoacetate levels were elevated in all patients and were between 1.1 and 12 times above the upper limit of reference range, but specific values for each patient were not provided (PP4_Moderate) (PMID: 24415674). This variant is absent in gnomAD v4.1.0. (PM2_Supporting). The computational predictor REVEL gives a score of 0.994 which is above the threshold of 0.932, evidence that correlates with impact to GAMT function at the strong level (PMID: 36413997) (PP3_Strong). This variant was shown to result in undetectable GAMT enzymatic activity when transfected into GAMT-deficient fibroblasts (PMID: 24415674) (PS3_Supporting). There is a ClinVar entry for this variant (Variation ID: 2446456). In summary, this variant meets criteria to be classified as likely pathogenic for guanidinoacetate methyltransferase (GAMT) deficiency. GAMT-specific ACMG/AMP criteria applied, as specified by the ClinGen Cerebral Creatine Deficiencies Variant Curation Expert Panel (CCDS VCEP) (Specifications version 2.0.0): PP3_Strong, PP4_Moderate, PS3_Supporting, PM2_Supporting, PM3_Supporting (Classification approved by the ClinGen Cerebral Creatine Deficiencies Variant Curation Expert Panel on October 15, 2025

Literature cited by the submitters: PubMed 24415674.

NM_000156.6(GAMT):c.202G>T (p.Gly68Cys)

Gene: GAMT (guanidinoacetate N-methyltransferase; minus strand). Cytogenetic location: 19p13.3.
Variant type: single nucleotide variant.
Coding change: c.202G>T on transcript NM_000156.6 (MANE Select); coding-DNA position 202, G replaced by T.
Protein change: p.Gly68Cys; replaces glycine 68 with cysteine.
Molecular consequence: missense variant.
Genome position (GRCh38, 1-based): chr19:1,399,918, C>A on the plus strand (G>T on the coding strand, the complement: GAMT is on the minus strand). VCF-style: chr19-1399918-C-A. GRCh37 (hg19) VCF-style: chr19-1399917-C-A.
Other names: NM_138924.3:c.202G>T; c.202G>T, p.Gly68Cys (NM_138924.3); short protein forms G68C.
Identifiers: ClinVar variation 2446456 (VCV002446456.2), dbSNP rs1447665588, ClinGen allele CA402997207.
Genomic context (GRCh38, chr19:1,399,918, plus strand): 5'-TCCAATGCTCATCAATGGGCGCCTCCTGCACCTTTGACGCTGCGATGGCCATGCCAAAGC[C>A]CACCTCCAGGACCCGGCCCCCTGGGCAGACACAGGGCGCCTGGCATCACTAGGTGGGGCG-3'
Protein context (NP_000147.1, residues 58-78): SSKGGRVLEV[Gly68Cys]FGMAIAASKV